The following is an entry in ClinVar:

NM_001267550.2(TTN):c.22412A>G (p.Asp7471Gly)

Gene: TTN (titin; minus strand). Cytogenetic location: 2q31.2.
Variant type: single nucleotide variant.
Coding change: c.22412A>G on transcript NM_001267550.2 (MANE Select); coding-DNA position 22412, A replaced by G.
Protein change: p.Asp7471Gly; replaces aspartic acid 7471 with glycine.
Molecular consequence: missense variant. On other transcripts: intron variant (3).
Genome position (GRCh38, 1-based): chr2:178,722,375, T>C on the plus strand (A>G on the coding strand, the complement: TTN is on the minus strand). VCF-style: chr2-178722375-T-C. GRCh37 (hg19) VCF-style: chr2-179587102-T-C.
Other names: p.D7154G:GAT>GGT; c.21461A>G, p.Asp7154Gly (NM_001256850.1); c.18680A>G, p.Asp6227Gly (NM_133378.4); c.13282+15707A>G (NM_003319.4); c.13858+15707A>G (NM_133437.4); c.13657+15707A>G (NM_133432.3); short protein forms D7154G, D7471G, D6227G.
Identifiers: ClinVar variation 203312 (VCV000203312.5), dbSNP rs760724710, ClinGen allele CA312004.
Genomic context (GRCh38, chr2:178,722,375, plus strand): 5'-CAAGAGTACTGGCCAGAGTGACTCAAGTCAGTTTGCAAAATTTTTAAAGTTGCCACATTA[T>C]CTACAAATGAAGTCTGTAGATTTTCATCGTCTCTTAAAAGTACTCCATCTCTATACCAGC-3'
Protein context (NP_001254479.2, residues 7461-7481): DDENLQTSFV[Asp7471Gly]NVATLKILQT

ClinVar aggregate classification (germline): Uncertain significance. Review status: criteria provided, multiple submitters, no conflicts (2 of 4 stars). 3 submissions from 3 submitters: Uncertain significance (3). Last evaluated 2026-09-21.

Conditions:
Cardiovascular phenotype. Identifiers: MedGen CN230736.

Allele frequency attached by ClinVar (database versions not stated): gnomAD exomes 0.00002; ExAC 0.00002.
gnomAD v4.1: 10 of 1,613,460 alleles (0.00062%); highest among the groups gnomAD compares: Admixed American, 0.0017%; no homozygotes.

Submissions (3):

Molecular Diagnostic Laboratory for Inherited Cardiovascular Disease, Montreal Heart Institute
Classification: Uncertain significance for Cardiovascular phenotype. Last evaluated: 2026-09-21. Review status: criteria provided, single submitter. Criteria: ACMG Guidelines, 2015. Collection method: clinical testing. Allele origin: germline. Affected: yes.
Comment: PM2

Revvity Omics, Revvity
Classification: Uncertain significance. Last evaluated: 2024-10-30. Review status: criteria provided, single submitter. Criteria: ACMG Guidelines, 2015. Collection method: clinical testing. Allele origin: germline.

GeneDx
Classification: Uncertain significance. Last evaluated: 2014-04-11. Review status: criteria provided, single submitter. Criteria: GeneDx Variant Classification (06012015). Collection method: clinical testing. Allele origin: germline. Affected: yes.
Comment: Missense variants in the TTN gene are considered 'unclassified' if they are not previously reported in the literature and do not have >1% frequency in the population to be considered a polymorphism. Research indicates that truncating mutations in the TTN gene are expected to account for approximately 25% of familial and 18% of sporadic idiopathic DCM; however, truncating variants in the TTN gene have been reported in approximately 3% of reported control alleles. There has been little investigation into non-truncating variants. (Herman D et al. Truncations of titin causing dilated cardiomyopathy. N Eng J Med 366:619-628, 2012) The variant is found in DCM-CRDM panel(s).